The following is an entry in ClinVar:

NM_001029998.6(SLC10A7):c.994-397G>T

Gene: SLC10A7 (solute carrier family 10 member 7; minus strand). Cytogenetic location: 4q31.22.
Variant type: single nucleotide variant.
Coding change: c.994-397G>T on transcript NM_001029998.6 (MANE Select); 397 bases into the intron before coding-DNA position 994, G replaced by T.
Molecular consequence: intron variant. On other transcripts: missense variant (1).
Genome position (GRCh38, 1-based): chr4:146,256,917, C>A on the plus strand (G>T on the coding strand, the complement: SLC10A7 is on the minus strand). VCF-style: chr4-146256917-C-A. GRCh37 (hg19) VCF-style: chr4-147178069-C-A.
Other names: c.1013G>T, p.Gly338Val (NM_001300842.3); c.955-397G>T (NM_001317816.2); short protein forms G338V.
Identifiers: ClinVar variation 2805972 (VCV002805972.3), dbSNP rs1404132097, ClinGen allele CA358411173.

ClinVar aggregate classification (germline): Uncertain significance (1 of 4 stars; one submission).

Allele frequency attached by ClinVar (database versions not stated): gnomAD exomes below 0.00001.
gnomAD v4.1: 1 of 1,536,158 alleles (0.000065%); highest among the groups gnomAD compares: Non-Finnish European, 0.000087%; no homozygotes.

Submission:

Labcorp Genetics (formerly Invitae), Labcorp
Classification: Uncertain significance. Last evaluated: 2022-11-17. Review status: criteria provided, single submitter. Criteria: Invitae Variant Classification Sherloc (09022015). Collection method: clinical testing. Allele origin: germline.
Comment: This variant has not been reported in the literature in individuals affected with SLC10A7-related conditions. This variant is present in population databases (no rsID available, gnomAD 0.002%). This sequence change replaces glycine, which is neutral and non-polar, with valine, which is neutral and non-polar, at codon 338 of the SLC10A7 protein (p.Gly338Val). In summary, the available evidence is currently insufficient to determine the role of this variant in disease. Therefore, it has been classified as a Variant of Uncertain Significance. Algorithms developed to predict the effect of missense changes on protein structure and function are either unavailable or do not agree on the potential impact of this missense change (SIFT: "Not Available"; PolyPhen-2: "Benign"; Align-GVGD: "Not Available").